The following is an entry in ClinVar:

ClinVar aggregate classification (germline): Uncertain significance. Review status: criteria provided, multiple submitters, no conflicts (2 of 4 stars). 2 submissions from 2 submitters: Uncertain significance (2). Last evaluated 2024-02-26.

Submissions (2):

Labcorp Genetics (formerly Invitae), Labcorp
Classification: Uncertain significance. Last evaluated: 2024-02-26. Review status: criteria provided, single submitter. Criteria: Invitae Variant Classification Sherloc (09022015). Collection method: clinical testing. Allele origin: germline.
Comment: This sequence change replaces aspartic acid, which is acidic and polar, with histidine, which is basic and polar, at codon 199 of the IL1RAPL1 protein (p.Asp199His). This variant is not present in population databases (gnomAD no frequency). This variant has not been reported in the literature in individuals affected with IL1RAPL1-related conditions. ClinVar contains an entry for this variant (Variation ID: 1954220). An algorithm developed to predict the effect of missense changes on protein structure and function (PolyPhen-2) suggests that this variant is likely to be disruptive. In summary, the available evidence is currently insufficient to determine the role of this variant in disease. Therefore, it has been classified as a Variant of Uncertain Significance.

Centre of Medical Genetics, University Hospital Muenster
Classification: Uncertain significance. Last evaluated: 2022-08-25. Review status: criteria provided, single submitter. Criteria: ACMG Guidelines, 2015. Collection method: clinical testing. Allele origin: unknown. Affected: yes. Observed: 1 variant allele.
Comment: ACMG categories: PM1,PM2,BP4

NM_014271.4(IL1RAPL1):c.595G>C (p.Asp199His)

Gene: IL1RAPL1 (interleukin 1 receptor accessory protein like 1; plus strand). Cytogenetic location: Xp21.2.
Variant type: single nucleotide variant.
Coding change: c.595G>C on transcript NM_014271.4 (MANE Select); coding-DNA position 595, G replaced by C.
Protein change: p.Asp199His; replaces aspartic acid 199 with histidine.
Molecular consequence: missense variant.
Genome position (GRCh38, 1-based): chrX:29,399,200, G>C. VCF-style: chrX-29399200-G-C. GRCh37 (hg19) VCF-style: chrX-29417317-G-C.
Other names: short protein forms D199H.
Identifiers: ClinVar variation 1954220 (VCV001954220.7), dbSNP rs2519094200, ClinGen allele CA412632560.